The following is an entry in ClinVar:

NM_000094.4(COL7A1):c.8698_8708del (p.Ser2900fs)

Gene: COL7A1 (collagen type VII alpha 1 chain; minus strand). Cytogenetic location: 3p21.31.
Variant type: Deletion.
Coding change: c.8698_8708del on transcript NM_000094.4 (MANE Select); coding-DNA positions 8698 to 8708, 11 bases deleted (AGCACAGAGGC).
Protein change: p.Ser2900fs; shifts the reading frame from serine 2900.
Molecular consequence: frameshift variant.
Genome position (GRCh38, 1-based): chr3:48,564,893-48,564,903, GCCTCTGTGCT deleted on the plus strand (AGCACAGAGGC on the coding strand, the reverse complement: COL7A1 is on the minus strand); deleting any 11 consecutive bases within chr3:48,564,893-48,564,907 gives the same sequence; the c. name uses the placement nearest the transcript's 3' end. VCF-style (leftmost placement, unchanged base first): chr3-48564892-GGCCTCTGTGCT-G. GRCh37 (hg19) VCF-style: chr3-48602325-GGCCTCTGTGCT-G.
Other names: c.8698_8708delAGCACAGAGGC (NM_000094.3); short protein forms S2900fs.
Identifiers: ClinVar variation 2203351 (VCV002203351.6), dbSNP rs1486992935, ClinGen allele CA543045449.

ClinVar aggregate classification (germline): Pathogenic. Review status: criteria provided, multiple submitters, no conflicts (2 of 4 stars). 4 submissions from 4 submitters: Pathogenic (4). Last evaluated 2025-12-26.

Conditions:
Epidermolysis bullosa dystrophica. Also called: Dystrophic epidermolysis bullosa, Hallopeau-Siemens type (formerly); Dystrophic epidermolysis bullosa. Identifiers: Orphanet 303, MedGen C0079294, MONDO:0006543.
Recessive dystrophic epidermolysis bullosa (RDEB). Also called: severe generalized recessive dystrophic epidermolysis bullosa; epidermolysis bullosa dystrophica, autosomal recessive; EPIDERMOLYSIS BULLOSA DYSTROPHICA, GENERALIZED SEVERE, AUTOSOMAL RECESSIVE; Epidermolysis Bullosa Distrophica Autosomal Recessive (RDEB); Recessive DEB (RDEB); DYSTROPHIC EPIDERMOLYSIS BULLOSA, AUTOSOMAL RECESSIVE. Identifiers: Orphanet 79408, Orphanet 79409, MedGen C0079474, MONDO:0009179, OMIM 226600.
COL7A1-related disorder. Also called: COL7A1- related disorders; COL7A1-related condition.

Submissions (4):

Myriad Genetics, Inc.
Classification: Pathogenic for Recessive dystrophic epidermolysis bullosa. Last evaluated: 2025-12-26. Review status: criteria provided, single submitter. Criteria: Myriad Autosomal Dominant, Autosomal Recessive and X-Linked Classification Criteria (2023). Collection method: clinical testing. Allele origin: unknown.
Comment: NM_000094.3(COL7A1):c.8698_8708del11(S2900Lfs*20) is a frameshift variant classified as pathogenic in the context of dystrophic epidermolysis bullosa. S2900Lfs*20 has been observed in a case with relevant disease (PMID: 29473190). Relevant functional assessments of this variant are not available in the literature. S2900Lfs*20 has been observed in referenced population frequency databases. In summary, NM_000094.3(COL7A1):c.8698_8708del11(S2900Lfs*20) is a frameshift variant in a gene where loss of function is a known mechanism of disease, is predicted to disrupt protein function, and has been observed more frequently in cases with the relevant disease than in healthy populations. Please note: this variant was assessed in the context of healthy population screening.

Labcorp Genetics (formerly Invitae), Labcorp
Classification: Pathogenic. Last evaluated: 2025-10-11. Review status: criteria provided, single submitter. Criteria: Invitae Variant Classification Sherloc (09022015). Collection method: clinical testing. Allele origin: germline.
Comment: This sequence change creates a premature translational stop signal (p.Ser2900Leufs*20) in the COL7A1 gene. It is expected to result in an absent or disrupted protein product. Loss-of-function variants in COL7A1 are known to be pathogenic (PMID: 16971478). This variant is present in population databases (no rsID available, gnomAD 0.002%). This premature translational stop signal has been observed in individual(s) with clinical features of autosomal recessive epidermolysis bullosa dystrophica (PMID: 10504458, 21448560, 29473190). This variant is also known as 8697del11, p.S2900Lfs*20, c.8698del11, p.Ser2900fsX19. ClinVar contains an entry for this variant (Variation ID: 2203351). Algorithms developed to predict the effect of sequence changes on RNA splicing suggest that this variant may disrupt the consensus splice site. For these reasons, this variant has been classified as Pathogenic.

Natera, Inc.
Classification: Pathogenic for Dystrophic epidermolysis bullosa. Last evaluated: 2025-04-14. Review status: criteria provided, single submitter. Criteria: Natera Variant Classification Schema (03/2026). Collection method: clinical testing. Allele origin: germline.
Comment: The c.8698_8708delAGCACAGAGGC variant in COL7A1 is a frameshift variant predicted to shift the reading frame beginning at codon 2900 and leads to a stop codon 20 codons downstream. This variant is expected to result in nonsense mediated decay, truncation, or a dysfunctional protein product. This variant is rare in the general population with a frequency below the threshold expected for the associated phenotype(s). This variant has been observed in one or more individuals affected with the associated recessive disease, as either homozygous or compound heterozygous with a second variant (PMID: 29473190). Additionally, this variant has been observed to segregate in affected family members (PMID: 29473190). Given the available evidence, this variant is classified as Pathogenic.

Blueprint Genetics
Classification: Pathogenic for COL7A1-related disorders. Last evaluated: 2019-10-17. Review status: criteria provided, single submitter. Criteria: ACMG Guidelines, 2015. Collection method: clinical testing. Allele origin: germline. Affected: yes. Observed: 1 variant allele.

Literature cited by the submitters: PubMed 29473190 (cited by 3 submitters); PubMed 16971478 (cited by Labcorp Genetics (formerly Invitae), Labcorp); PubMed 10504458 (cited by Labcorp Genetics (formerly Invitae), Labcorp); PubMed 21448560 (cited by Labcorp Genetics (formerly Invitae), Labcorp).